The following is an entry in ClinVar:

ClinVar aggregate classification (germline): Pathogenic. Review status: criteria provided, multiple submitters, no conflicts (2 of 4 stars). 4 submissions from 4 submitters: Pathogenic (4). Last evaluated 2024-07-05.

Conditions:
Platelet abnormalities with eosinophilia and immune-mediated inflammatory disease. Also called: IMMUNODEFICIENCY 71 WITH INFLAMMATORY DISEASE AND CONGENITAL THROMBOCYTOPENIA. Identifiers: MedGen C4540232, MONDO:0060583, OMIM 617718.

gnomAD v4.1: 7 of 1,613,716 alleles (0.00043%); highest among the groups gnomAD compares: Admixed American, 0.0017%; no homozygotes.

Submissions (5):

GeneDx
Classification: Pathogenic. Last evaluated: 2024-07-05. Review status: criteria provided, single submitter. Criteria: GeneDx Variant Classification Process June 2021. Collection method: clinical testing. Allele origin: germline. Affected: yes.
Comment: Not observed at significant frequency in large population cohorts (gnomAD); RNA studies demonstrate a damaging effect due to skipping of exon 7 and introduction of a premature termination codon (p.(V237*)) (PMID: 33679784); In silico analysis supports a deleterious effect on splicing; This variant is associated with the following publications: (PMID: 33679784, 36708766, 36939041)

Labcorp Genetics (formerly Invitae), Labcorp
Classification: Pathogenic. Last evaluated: 2024-03-13. Review status: criteria provided, single submitter. Criteria: Invitae Variant Classification Sherloc (09022015). Collection method: clinical testing. Allele origin: germline.
Comment: This sequence change affects codon 261 of the ARPC1B mRNA. It is a 'silent' change, meaning that it does not change the encoded amino acid sequence of the ARPC1B protein. RNA analysis indicates that this variant induces altered splicing and may result in an absent or disrupted protein product. This variant is present in population databases (no rsID available, gnomAD 0.003%). This variant has been observed in individual(s) with ARPC1B deficiency (PMID: 33679784; Invitae). It has also been observed to segregate with disease in related individuals. ClinVar contains an entry for this variant (Variation ID: 1030961). Variants that disrupt the consensus splice site are a relatively common cause of aberrant splicing (PMID: 17576681, 9536098). Studies have shown that this variant results in activation of a crypic splice site and skipping of exon 7 and introduces a premature termination codon (PMID: 33679784). The resulting mRNA is expected to undergo nonsense-mediated decay. For these reasons, this variant has been classified as Pathogenic.

Baylor Genetics
Classification: Pathogenic for Platelet abnormalities with eosinophilia and immune-mediated inflammatory disease. Last evaluated: 2024-02-12. Review status: criteria provided, single submitter. Criteria: ACMG Guidelines, 2015. Collection method: clinical testing. Allele origin: unknown.

Laboratory of Medical Genetics, National & Kapodistrian University of Athens
Classification: Pathogenic for Platelet abnormalities with eosinophilia and immune-mediated inflammatory disease. Last evaluated: 2021-10-01. Review status: criteria provided, single submitter. Criteria: ACMG Guidelines, 2015. Collection method: clinical testing. Allele origin: unknown. Affected: yes.
Comment: PVS1, PM2, PP1, PP3, PP4

Dr. Peter K. Rogan Lab, Western University
No classification provided (evidence only). Condition: Squamous cell carcinoma of the head and neck. Review status: no classification provided. Collection method: in vitro. Allele origin: not applicable. Functional consequence: retained intron. Not counted in ClinVar's aggregate classification.

Literature cited by the submitters: PubMed 33679784 (cited by Labcorp Genetics (formerly Invitae), Labcorp and Laboratory of Medical Genetics, National & Kapodistrian University of Athens); PubMed 17576681 (cited by Labcorp Genetics (formerly Invitae), Labcorp); PubMed 9536098 (cited by Labcorp Genetics (formerly Invitae), Labcorp).

NM_005720.4(ARPC1B):c.783G>A (p.Ala261=)

Gene: ARPC1B (actin related protein 2/3 complex subunit 1B; plus strand). Cytogenetic location: 7q22.1.
Variant type: single nucleotide variant.
Coding change: c.783G>A on transcript NM_005720.4 (MANE Select); coding-DNA position 783, G replaced by A.
Protein change: p.Ala261=; no amino-acid change (alanine 261 retained).
Molecular consequence: synonymous variant.
Genome position (GRCh38, 1-based): chr7:99,391,253, G>A. VCF-style: chr7-99391253-G-A. GRCh37 (hg19) VCF-style: chr7-98988876-G-A.
Identifiers: ClinVar variation 1030961 (VCV001030961.12), dbSNP rs779597975, ClinGen allele CA456666896.